The following is an entry in ClinVar:

ClinVar aggregate classification (germline): Uncertain significance. Review status: criteria provided, multiple submitters, no conflicts (2 of 4 stars). 3 submissions from 3 submitters: Uncertain significance (3). Last evaluated 2022-09-01.

Conditions:
Nephronophthisis. Also called: Juvenile Nephronophthisis. Identifiers: Orphanet 655, MedGen C0687120, MONDO:0019005, HP:0000090.

Allele frequency attached by ClinVar (database versions not stated): gnomAD exomes 0.00001.
gnomAD v4.1: 20 of 1,613,582 alleles (0.0012%); highest among the groups gnomAD compares: East Asian, 0.02%; no homozygotes.

Submissions (3):

Labcorp Genetics (formerly Invitae), Labcorp
Classification: Uncertain significance for Nephronophthisis. Last evaluated: 2022-09-01. Review status: criteria provided, single submitter. Criteria: Invitae Variant Classification Sherloc (09022015). Collection method: clinical testing. Allele origin: germline.
Comment: This sequence change affects codon 724 of the NPHP3 mRNA. It is a 'silent' change, meaning that it does not change the encoded amino acid sequence of the NPHP3 protein. This variant also falls at the last nucleotide of exon 15, which is part of the consensus splice site for this exon. This variant is not present in population databases (gnomAD no frequency). This variant has been observed in individual(s) with clinical features of nephronophthisis (PMID: 34013113). ClinVar contains an entry for this variant (Variation ID: 424601). Algorithms developed to predict the effect of missense changes on protein structure and function output the following: SIFT: "Tolerated"; PolyPhen-2: "Benign"; Align-GVGD: "Class C0". The histidine amino acid residue is found in multiple mammalian species, which suggests that this missense change does not adversely affect protein function. Variants that disrupt the consensus splice site are a relatively common cause of aberrant splicing (PMID: 17576681, 9536098). Algorithms developed to predict the effect of sequence changes on RNA splicing suggest that this variant may disrupt the consensus splice site. In summary, the available evidence is currently insufficient to determine the role of this variant in disease. Therefore, it has been classified as a Variant of Uncertain Significance.

Eurofins Ntd Llc (ga)
Classification: Uncertain significance. Last evaluated: 2017-04-07. Review status: criteria provided, single submitter. Criteria: EGL Classification Definitions 2015. Collection method: clinical testing. Allele origin: germline. Observed: 1 variant allele, 1 heterozygote.

GeneDx
Classification: Uncertain significance. Last evaluated: 2017-04-01. Review status: criteria provided, single submitter. Criteria: GeneDx Variant Classification (06012015). Collection method: clinical testing. Allele origin: germline. Affected: yes.
Comment: The c.2171G>A variant in the NPHP3 gene has not been reported previously as a pathogenic variant, nor as a benign variant, to our knowledge. The c.2171G>A variant is not observed in large population cohorts (Lek et al., 2016; 1000 Genomes Consortium et al., 2015; Exome Variant Server). In-silico splice prediction models predict that c.2171G>A may decrease the natural splice donor site in exon 15. However, in the absence of RNA/functional studies, the actual effect of the c.2171G>A change in this individual is unknown. If c.2171G>A does not alter splicing, it will result in the R724N missense change. The R724N variant is a conservative amino acid substitution, which is not likely to impact secondary protein structure as these residues share similar properties. This substitution occurs at a position that is not conserved. In silico analysis is inconsistent in its predictions as to whether or not the variant is damaging to the protein structure/function. We interpret c.2171G>A as a variant of uncertain significance.

Literature cited by the submitters: PubMed 34013113 (cited by Labcorp Genetics (formerly Invitae), Labcorp); PubMed 17576681 (cited by Labcorp Genetics (formerly Invitae), Labcorp); PubMed 9536098 (cited by Labcorp Genetics (formerly Invitae), Labcorp).

NM_153240.5(NPHP3):c.2171G>A (p.Arg724His)

Genes: NPHP3 (nephrocystin 3; minus strand), NPHP3-ACAD11 (NPHP3-ACAD11 readthrough (NMD candidate); minus strand). Cytogenetic location: 3q22.1.
Variant type: single nucleotide variant.
Coding change: c.2171G>A on transcript NM_153240.5 (MANE Select); coding-DNA position 2171, G replaced by A.
Protein change: p.Arg724His; replaces arginine 724 with histidine.
Molecular consequence: missense variant. On other transcripts: non-coding transcript variant (1).
Genome position (GRCh38, 1-based): chr3:132,696,731, C>T on the plus strand (G>A on the coding strand, the complement: NPHP3 is on the minus strand). VCF-style: chr3-132696731-C-T. GRCh37 (hg19) VCF-style: chr3-132415575-C-T.
Other names: short protein forms R724H.
Identifiers: ClinVar variation 424601 (VCV000424601.8), dbSNP rs1064797063, ClinGen allele CA16617830.